The following is an entry in ClinVar:

ClinVar aggregate classification (germline): Uncertain significance. Review status: criteria provided, multiple submitters, no conflicts (2 of 4 stars). 4 submissions from 4 submitters: Uncertain significance (4). Last evaluated 2025-10-19.

Allele frequency attached by ClinVar (database versions not stated): gnomAD exomes 0.00001; gnomAD 0.00010; 1000 Genomes Project 0.00040; 1000 Genomes Project 30x 0.00031; ExAC 0.00007; TOPMed 0.00009.
gnomAD v4.1: 28 of 1,613,534 alleles (0.0017%); highest among the groups gnomAD compares: African/African-American, 0.024%; no homozygotes.

Submissions (4):

Mayo Clinic Laboratories, Mayo Clinic
Classification: Uncertain significance. Last evaluated: 2025-10-19. Review status: criteria provided, single submitter. Criteria: ACMG Guidelines, 2015. Collection method: clinical testing. Allele origin: germline. Observed: 1 variant allele.

Ambry Genetics
Classification: Uncertain significance. Last evaluated: 2025-08-22. Review status: criteria provided, single submitter. Criteria: Ambry Variant Classification Scheme 2023. Collection method: clinical testing. Allele origin: germline.

GeneDx
Classification: Uncertain significance. Last evaluated: 2025-03-07. Review status: criteria provided, single submitter. Criteria: GeneDx Variant Classification Process June 2021. Collection method: clinical testing. Allele origin: germline.
Comment: In silico analysis supports that this missense variant has a deleterious effect on protein structure/function; Has not been previously published as pathogenic or benign to our knowledge; This variant is associated with the following publications: (PMID: 27535533)

Labcorp Genetics (formerly Invitae), Labcorp
Classification: Uncertain significance. Last evaluated: 2022-05-23. Review status: criteria provided, single submitter. Criteria: Invitae Variant Classification Sherloc (09022015). Collection method: clinical testing. Allele origin: germline.
Comment: This sequence change replaces valine, which is neutral and non-polar, with glycine, which is neutral and non-polar, at codon 22 of the SLC25A3 protein (p.Val22Gly). This variant is present in population databases (rs576492133, gnomAD 0.04%). This variant has not been reported in the literature in individuals affected with SLC25A3-related conditions. Algorithms developed to predict the effect of missense changes on protein structure and function (SIFT, PolyPhen-2, Align-GVGD) all suggest that this variant is likely to be tolerated. In summary, the available evidence is currently insufficient to determine the role of this variant in disease. Therefore, it has been classified as a Variant of Uncertain Significance.

NM_002635.4(SLC25A3):c.65T>G (p.Val22Gly)

Gene: SLC25A3 (solute carrier family 25 member 3; plus strand). Cytogenetic location: 12q23.1.
Variant type: single nucleotide variant.
Coding change: c.65T>G on transcript NM_002635.4 (MANE Select); coding-DNA position 65, T replaced by G.
Protein change: p.Val22Gly; replaces valine 22 with glycine.
Molecular consequence: missense variant.
Genome position (GRCh38, 1-based): chr12:98,594,043, T>G. VCF-style: chr12-98594043-T-G. GRCh37 (hg19) VCF-style: chr12-98987821-T-G.
Other names: p.Val22Gly; c.65T>G (NM_005888.3); c.65T>G, p.Val22Gly (NM_005888.4, NM_213611.3); short protein forms V22G.
Identifiers: ClinVar variation 2041157 (VCV002041157.5), dbSNP rs576492133, ClinGen allele CA6732795.